The following is an entry in ClinVar:

NM_001267550.2(TTN):c.11311+2790T>C

Gene: TTN (titin; minus strand). Cytogenetic location: 2q31.2.
Variant type: single nucleotide variant.
Coding change: c.11311+2790T>C on transcript NM_001267550.2 (MANE Select); 2790 bases into the intron after coding-DNA position 11311, T replaced by C.
Molecular consequence: intron variant. On other transcripts: synonymous variant (1).
Genome position (GRCh38, 1-based): chr2:178,750,334, A>G on the plus strand (T>C on the coding strand, the complement: TTN is on the minus strand). VCF-style: chr2-178750334-A-G. GRCh37 (hg19) VCF-style: chr2-179615061-A-G.
Other names: c.10360+2790T>C (NM_133378.4, NM_001256850.1); c.12066T>C, p.Tyr4022= (NM_133379.5); c.10222+2790T>C (NM_003319.4); c.10798+2790T>C (NM_133437.4); c.10597+2790T>C (NM_133432.3).
Identifiers: ClinVar variation 5039899 (VCV005039899.1).

ClinVar aggregate classification (germline): Likely benign (1 of 4 stars; one submission).

gnomAD v4.1: 1 of 1,613,226 alleles (0.000062%); highest among the groups gnomAD compares: Admixed American, 0.0017%; no homozygotes.

Submission:

CeGaT Center for Human Genetics Tuebingen
Classification: Likely benign. Last evaluated: 2026-08-01. Review status: criteria provided, single submitter. Criteria: CeGaT Center For Human Genetics Tuebingen Variant Classification Criteria Version 2. Collection method: clinical testing. Allele origin: germline. Affected: yes. Observed: 1 variant allele.
Comment: TTN: BP4, BP7